The following is an entry in ClinVar:

ClinVar aggregate classification (germline): Uncertain significance (1 of 4 stars; one submission).

Submission:

Ambry Genetics
Classification: Uncertain significance. Last evaluated: 2024-07-28. Review status: criteria provided, single submitter. Criteria: Ambry Variant Classification Scheme 2023. Collection method: clinical testing. Allele origin: germline.
Comment: The p.E253Q variant (also known as c.757G>C), located in coding exon 8 of the BUB1 gene, results from a G to C substitution at nucleotide position 757. The glutamic acid at codon 253 is replaced by glutamine, an amino acid with highly similar properties. This amino acid position is conserved. In addition, the in silico prediction for this alteration is inconclusive. Based on the available evidence, the clinical significance of this variant remains unclear.

NM_004336.5(BUB1):c.757G>C (p.Glu253Gln)

Gene: BUB1 (BUB1 mitotic checkpoint serine/threonine kinase; minus strand). Cytogenetic location: 2q13.
Variant type: single nucleotide variant.
Coding change: c.757G>C on transcript NM_004336.5 (MANE Select); coding-DNA position 757, G replaced by C.
Protein change: p.Glu253Gln; replaces glutamic acid 253 with glutamine.
Molecular consequence: missense variant.
Genome position (GRCh38, 1-based): chr2:110,667,569, C>G on the plus strand (G>C on the coding strand, the complement: BUB1 is on the minus strand). VCF-style: chr2-110667569-C-G. GRCh37 (hg19) VCF-style: chr2-111425146-C-G.
Other names: c.697G>C, p.Glu233Gln (NM_001278616.2); c.757G>C, p.Glu253Gln (NM_001278617.2); short protein forms E233Q, E253Q.
Identifiers: ClinVar variation 3483027 (VCV003483027.1).
Genomic context (GRCh38, chr2:110,667,569, plus strand): 5'-GATTGCAAGTACCCCATTGCTCATGCTTTCTCCGTTGATTGTATTTCTGGGCTCTCAATT[C>G]TTCAAAGGAAAATTCTGATTCCCCACGAATAAGCTTCTCCTTGCAATACATAACAACCTG-3'
Protein context (NP_004327.1, residues 243-263): IRGESEFSFE[Glu253Gln]LRAQKYNQRR